The following is an entry in ClinVar:

NM_015978.3(TNNI3K):c.1274A>G (p.Tyr425Cys)

Genes: FPGT-TNNI3K (FPGT-TNNI3K readthrough; plus strand), TNNI3K (TNNI3 interacting kinase; plus strand). Cytogenetic location: 1p31.1.
Variant type: single nucleotide variant.
Coding change: c.1274A>G on transcript NM_015978.3 (MANE Select); coding-DNA position 1274, A replaced by G.
Protein change: p.Tyr425Cys; replaces tyrosine 425 with cysteine.
Molecular consequence: missense variant.
Genome position (GRCh38, 1-based): chr1:74,367,917, A>G. VCF-style: chr1-74367917-A-G. GRCh37 (hg19) VCF-style: chr1-74833601-A-G.
Other names: c.1577A>G, p.Tyr526Cys (NM_001112808.3, NM_001199327.2); short protein forms Y425C, Y526C.
Identifiers: ClinVar variation 2027584 (VCV002027584.5), dbSNP rs1322057038, ClinGen allele CA340785591.
Genomic context (GRCh38, chr1:74,367,917, plus strand): 5'-TAGAAAAAAATGATCGCTACTTTCAACTCTATTATATAATTTAATTTCTAGATGGCTCCT[A>G]TGTGTCTGTTCCATCACCCTTGGGGAAGATTAAAAGCATGACAAAAGGTACCTATAATCT-3'
Protein context (NP_057062.1, residues 415-435): EYSQPGGDGS[Tyr425Cys]VSVPSPLGKI

ClinVar aggregate classification (germline): Uncertain significance. Review status: criteria provided, multiple submitters, no conflicts (2 of 4 stars). 2 submissions from 2 submitters: Uncertain significance (2). Last evaluated 2025-08-09.

Allele frequency attached by ClinVar (database versions not stated): gnomAD exomes below 0.00001; gnomAD 0.00001; TOPMed 0.00001.
gnomAD v4.1: 4 of 1,577,052 alleles (0.00025%); highest among the groups gnomAD compares: Middle Eastern, 0.017%; no homozygotes.

Submissions (2):

Labcorp Genetics (formerly Invitae), Labcorp
Classification: Uncertain significance. Last evaluated: 2025-08-09. Review status: criteria provided, single submitter. Criteria: Invitae Variant Classification Sherloc (09022015). Collection method: clinical testing. Allele origin: germline.
Comment: This sequence change replaces tyrosine, which is neutral and polar, with cysteine, which is neutral and slightly polar, at codon 425 of the TNNI3K protein (p.Tyr425Cys). This variant is not present in population databases (gnomAD no frequency). This variant has not been reported in the literature in individuals affected with TNNI3K-related conditions. ClinVar contains an entry for this variant (Variation ID: 2027584). Invitae Evidence Modeling of protein sequence and biophysical properties (such as structural, functional, and spatial information, amino acid conservation, physicochemical variation, residue mobility, and thermodynamic stability) indicates that this missense variant is not expected to disrupt TNNI3K protein function with a negative predictive value of 80%. In summary, the available evidence is currently insufficient to determine the role of this variant in disease. Therefore, it has been classified as a Variant of Uncertain Significance.

GeneDx
Classification: Uncertain significance. Last evaluated: 2024-01-31. Review status: criteria provided, single submitter. Criteria: GeneDx Variant Classification Process June 2021. Collection method: clinical testing. Allele origin: germline. Affected: yes.
Comment: Not observed at significant frequency in large population cohorts (gnomAD); In silico analysis supports that this missense variant has a deleterious effect on protein structure/function; Has not been previously published as pathogenic or benign to our knowledge